The following is an entry in ClinVar:

NM_004444.5(EPHB4):c.785C>T (p.Ala262Val)

Gene: EPHB4 (EPH receptor B4; minus strand). Cytogenetic location: 7q22.1.
Variant type: single nucleotide variant.
Coding change: c.785C>T on transcript NM_004444.5 (MANE Select); coding-DNA position 785, C replaced by T.
Protein change: p.Ala262Val; replaces alanine 262 with valine.
Molecular consequence: missense variant.
Genome position (GRCh38, 1-based): chr7:100,822,294, G>A on the plus strand (C>T on the coding strand, the complement: EPHB4 is on the minus strand). VCF-style: chr7-100822294-G-A. GRCh37 (hg19) VCF-style: chr7-100419916-G-A.
Other names: short protein forms A262V.
Identifiers: ClinVar variation 2626719 (VCV002626719.5), dbSNP rs768458157, ClinGen allele CA4393212.
Genomic context (GRCh38, chr7:100,822,294, plus strand): 5'-GATGAGCAGCAGTCGCAGGGGAAGCTCCAGCTCTCACCTCGGCACTTGGTGTTCCCCTCA[G>A]CTGCCTCGAACCCCGGAGCACAGCTGCAGCCCGTGACCGGCTGTTCGGCCCACTGGCCAT-3'
Protein context (NP_004435.3, residues 252-272): GCSCAPGFEA[Ala262Val]EGNTKCRACA

ClinVar aggregate classification (germline): Uncertain significance. Review status: criteria provided, multiple submitters, no conflicts (2 of 4 stars). 2 submissions from 2 submitters: Uncertain significance (2). Last evaluated 2025-07-29.

Conditions:
Cardiovascular phenotype. Identifiers: MedGen CN230736.

Allele frequency attached by ClinVar (database versions not stated): gnomAD exomes below 0.00001; gnomAD 0.00003; TOPMed 0.00003; ExAC 0.00005.
gnomAD v4.1: 9 of 1,564,080 alleles (0.00058%); highest among the groups gnomAD compares: East Asian, 0.0024%; no homozygotes.

Submissions (2):

Ambry Genetics
Classification: Uncertain significance for Cardiovascular phenotype. Last evaluated: 2025-07-29. Review status: criteria provided, single submitter. Criteria: Ambry Variant Classification Scheme 2023. Collection method: clinical testing. Allele origin: germline.
Comment: The p.A262V variant (also known as c.785C>T), located in coding exon 4 of the EPHB4 gene, results from a C to T substitution at nucleotide position 785. The alanine at codon 262 is replaced by valine, an amino acid with similar properties. This amino acid position is conserved. In addition, this alteration is predicted to be tolerated by in silico analysis. Since supporting evidence is limited at this time, the clinical significance of this alteration remains unclear.

Labcorp Genetics (formerly Invitae), Labcorp
Classification: Uncertain significance. Last evaluated: 2024-07-03. Review status: criteria provided, single submitter. Criteria: Invitae Variant Classification Sherloc (09022015). Collection method: clinical testing. Allele origin: germline.
Comment: This sequence change replaces alanine, which is neutral and non-polar, with valine, which is neutral and non-polar, at codon 262 of the EPHB4 protein (p.Ala262Val). The frequency data for this variant in the population databases is considered unreliable, as metrics indicate poor data quality at this position in the gnomAD database. This variant has not been reported in the literature in individuals affected with EPHB4-related conditions. ClinVar contains an entry for this variant (Variation ID: 2626719). Algorithms developed to predict the effect of missense changes on protein structure and function output the following: SIFT: "Not Available"; PolyPhen-2: "Benign"; Align-GVGD: "Not Available". The valine amino acid residue is found in multiple mammalian species, which suggests that this missense change does not adversely affect protein function. In summary, the available evidence is currently insufficient to determine the role of this variant in disease. Therefore, it has been classified as a Variant of Uncertain Significance.